The following is an entry in ClinVar:

NM_021954.4(GJA3):c.560C>T (p.Pro187Leu)

Gene: GJA3 (gap junction protein alpha 3; minus strand). Cytogenetic location: 13q12.11.
Variant type: single nucleotide variant.
Coding change: c.560C>T on transcript NM_021954.4 (MANE Select); coding-DNA position 560, C replaced by T.
Protein change: p.Pro187Leu; replaces proline 187 with leucine.
Molecular consequence: missense variant.
Genome position (GRCh38, 1-based): chr13:20,142,729, G>A on the plus strand (C>T on the coding strand, the complement: GJA3 is on the minus strand). VCF-style: chr13-20142729-G-A. GRCh37 (hg19) VCF-style: chr13-20716868-G-A.
Other names: short protein forms P187L.
Identifiers: ClinVar variation 16980 (VCV000016980.2), dbSNP rs121917825, ClinGen allele CA214972.

ClinVar aggregate classification (germline): Likely pathogenic. Review status: criteria provided, single submitter (1 of 4 stars). 2 submissions from 2 submitters: Likely pathogenic (1). 1 of the submissions does not count toward it. Last evaluated 2023-01-21.

Conditions:
Cataract 14 multiple types. Also called: CATARACT 14, ZONULAR PULVERULENT; CATARACT 14, NUCLEAR PULVERULENT; CATARACT 14, NUCLEAR PULVERULENT AND POSTERIOR POLAR; CATARACT 14, NUCLEAR CORALLIFORM; CATARACT 14, EMBRYONAL NUCLEAR; CATARACT 14, COPPOCK-LIKE. Identifiers: Orphanet 91492, MedGen C1866078, MONDO:0011162, OMIM 601885.

Submissions (2):

Dept. Genetics and Cancer, Menzies Institute for Medical Research, University of Tasmania
Classification: Likely pathogenic for Cataract 14 multiple types. Last evaluated: 2023-01-21. Review status: criteria provided, single submitter. Criteria: ACMG Guidelines, 2015. Collection method: curation. Allele origin: germline. Affected: yes.
Comment: Variant identified and curated during a GJA3 specific review of the literature in relation to pediatric or congenital cataract. ACMG-AMP criteria applied: PP1(Strong), PM2(Supporting), PP3. Original variant report: PMID:10746562. The cataract phenotype reported for this variant is: Pulverulent nuclear with snowflake-like cortical opacity and a posterior subcapsular element. Gene review and curation guidelines are outlined in: DOI 10.1080/17469899.2023.2160320

OMIM
Classification: Pathogenic for CATARACT 14, ZONULAR PULVERULENT. Last evaluated: 2000-02-01. Review status: no assertion criteria provided. Collection method: literature only. Allele origin: germline. Not counted in ClinVar's aggregate classification.

Literature cited by the submitters: PubMed 10746562 (cited by Dept. Genetics and Cancer, Menzies Institute for Medical Research, University of Tasmania and OMIM).